The following is an entry in ClinVar:

NM_016151.4(TAOK2):c.3065A>G (p.Gln1022Arg)

Gene: TAOK2 (TAO kinase 2; plus strand). Cytogenetic location: 16p11.2.
Variant type: single nucleotide variant.
Coding change: c.3065A>G on transcript NM_016151.4 (MANE Select); coding-DNA position 3065, A replaced by G.
Protein change: p.Gln1022Arg; replaces glutamine 1022 with arginine.
Molecular consequence: missense variant. On other transcripts: intron variant (1).
Genome position (GRCh38, 1-based): chr16:29,987,337, A>G. VCF-style: chr16-29987337-A-G. GRCh37 (hg19) VCF-style: chr16-29998658-A-G.
Other names: c.2726A>G, p.Gln909Arg (NM_001252043.2); c.2232+833A>G (NM_004783.4); short protein forms Q1022R, Q909R.
Identifiers: ClinVar variation 3610166 (VCV003610166.2).

ClinVar aggregate classification (germline): Uncertain significance (1 of 4 stars; one submission).

gnomAD v4.1: 1 of 1,535,808 alleles (0.000065%); highest among the groups gnomAD compares: Admixed American, 0.0021%; no homozygotes.

Submission:

Labcorp Genetics (formerly Invitae), Labcorp
Classification: Uncertain significance. Last evaluated: 2024-11-05. Review status: criteria provided, single submitter. Criteria: Invitae Variant Classification Sherloc (09022015). Collection method: clinical testing. Allele origin: germline.
Comment: This sequence change replaces glutamine, which is neutral and polar, with arginine, which is basic and polar, at codon 1022 of the TAOK2 protein (p.Gln1022Arg). The frequency data for this variant in the population databases is considered unreliable, as metrics indicate poor data quality at this position in the gnomAD database. This variant has not been reported in the literature in individuals affected with TAOK2-related conditions. An algorithm developed to predict the effect of missense changes on protein structure and function (PolyPhen-2) suggests that this variant is likely to be disruptive. In summary, the available evidence is currently insufficient to determine the role of this variant in disease. Therefore, it has been classified as a Variant of Uncertain Significance.